The following is an entry in ClinVar:

ClinVar aggregate classification (germline): Pathogenic (1 of 4 stars; one submission).

Conditions:
Fraser syndrome 2 (FRASRS2). Identifiers: MedGen C4540036, MONDO:0054738, OMIM 617666.

Submission:

Service de Biochimie Médicale et Biologie Moléculaire, CHU Clermont-Ferrand
Classification: Pathogenic for Fraser syndrome 2. Last evaluated: 2018-09-14. Review status: criteria provided, single submitter. Criteria: ACMG Guidelines, 2015. Collection method: clinical testing. Allele origin: inherited. Inheritance: Autosomal recessive inheritance. Affected: yes.
Comment: This variant in homozygous state or compound heterozygous state induced Fraser syndrome phenotype

NM_207361.6(FREM2):c.1266del (p.Asp423fs)

Gene: FREM2 (FRAS1 related extracellular matrix 2; plus strand). Cytogenetic location: 13q13.3.
Variant type: Deletion.
Coding change: c.1266del on transcript NM_207361.6 (MANE Select); coding-DNA position 1266, one base deleted (A; older notation c.1266delA).
Protein change: p.Asp423fs; shifts the reading frame from aspartic acid 423.
Molecular consequence: frameshift variant.
Genome position (GRCh38, 1-based): chr13:38,688,610, A deleted. VCF-style (leftmost placement, unchanged base first): chr13-38688609-CA-C. GRCh37 (hg19) VCF-style: chr13-39262746-CA-C.
Other names: short protein forms D423fs.
Identifiers: ClinVar variation 916635 (VCV000916635.1), dbSNP rs1869623039, ClinGen allele CA1139663261.
Genomic context (GRCh38, chr13:38,688,609, plus strand): 5'-CTGACCAGGAGCGCCTCTTTGAACTGGAATTGGAGGTAGTGGATCTAGAAGGAGCAGCTT[CA>C]GACCCTTTTGCCTTCATGGTAGTGGTGAAGCCCATGAACACAATGGCTCCGGTGGTCACC-3'